The following is an entry in ClinVar:

NM_000271.5(NPC1):c.149C>T (p.Pro50Leu)

Gene: NPC1 (NPC intracellular cholesterol transporter 1; minus strand). Cytogenetic location: 18q11.2.
Variant type: single nucleotide variant.
Coding change: c.149C>T on transcript NM_000271.5 (MANE Select); coding-DNA position 149, C replaced by T.
Protein change: p.Pro50Leu; replaces proline 50 with leucine.
Molecular consequence: missense variant.
Genome position (GRCh38, 1-based): chr18:23,573,483, G>A on the plus strand (C>T on the coding strand, the complement: NPC1 is on the minus strand). VCF-style: chr18-23573483-G-A. GRCh37 (hg19) VCF-style: chr18-21153447-G-A.
Other names: short protein forms P50L.
Identifiers: ClinVar variation 2419781 (VCV002419781.3), dbSNP rs1408235606, ClinGen allele CA402041237.
Genomic context (GRCh38, chr18:23,573,483, plus strand): 5'-GTTCCCAGTGCCTAAGATAATGAACTTACCTGCACTAAGTCATATCCATCCTTTGGCAAT[G>A]GTTTTGGTGGGCCAGAATATTCGCAATTGTACCTCTTGTCCCCATATGCAATTCCACACT-3'
Protein context (NP_000262.2, residues 40-60): YNCEYSGPPK[Pro50Leu]LPKDGYDLVQ

ClinVar aggregate classification (germline): Uncertain significance (1 of 4 stars; one submission).

Conditions:
Niemann-Pick disease, type C1. Also called: NIEMANN-PICK DISEASE, VARIANT TYPE C1; NEUROVISCERAL STORAGE DISEASE WITH VERTICAL SUPRANUCLEAR OPHTHALMOPLEGIA; NIEMANN-PICK DISEASE WITH CHOLESTEROL ESTERIFICATION BLOCK; NIEMANN-PICK DISEASE WITHOUT SPHINGOMYELINASE DEFICIENCY; NIEMANN-PICK DISEASE, CHRONIC NEURONOPATHIC FORM. Identifiers: Orphanet 646, MedGen C3179455, MONDO:0009757, OMIM 257220.

Allele frequency attached by ClinVar (database versions not stated): gnomAD exomes 0.00001.

Submission:

Labcorp Genetics (formerly Invitae), Labcorp
Classification: Uncertain significance for Niemann-Pick disease, type C1. Last evaluated: 2022-09-20. Review status: criteria provided, single submitter. Criteria: Invitae Variant Classification Sherloc (09022015). Collection method: clinical testing. Allele origin: germline.
Comment: This sequence change replaces proline, which is neutral and non-polar, with leucine, which is neutral and non-polar, at codon 50 of the NPC1 protein (p.Pro50Leu). This variant is present in population databases (no rsID available, gnomAD 0.0009%). This variant has not been reported in the literature in individuals affected with NPC1-related conditions. Algorithms developed to predict the effect of missense changes on protein structure and function (SIFT, PolyPhen-2, Align-GVGD) all suggest that this variant is likely to be tolerated. In summary, the available evidence is currently insufficient to determine the role of this variant in disease. Therefore, it has been classified as a Variant of Uncertain Significance.